The following is an entry in ClinVar:

NM_152564.5(VPS13B):c.9742+2T>C

Gene: VPS13B (vacuolar protein sorting 13 homolog B; plus strand). Cytogenetic location: 8q22.2.
Variant type: single nucleotide variant.
Coding change: c.9742+2T>C on transcript NM_152564.5 (MANE Select); the canonical splice donor site of the intron after coding-DNA position 9742, T replaced by C.
Molecular consequence: splice donor variant.
Genome position (GRCh38, 1-based): chr8:99,835,326, T>C. VCF-style: chr8-99835326-T-C. GRCh37 (hg19) VCF-style: chr8-100847554-T-C.
Other names: c.9742+2T>C (NM_152564.4); c.9817+2T>C (NM_017890.5).
Identifiers: ClinVar variation 834868 (VCV000834868.14), dbSNP rs1434569440, ClinGen allele CA371783439.
Genomic context (GRCh38, chr8:99,835,326, plus strand): 5'-TCGAGTAATTATCCACAATAGATGTCCAGTAAAAATGCTTATAAAGGAAAACATTAAAGG[T>C]ATGTTTTATACTATCGAATTTAGATAATACTAAATGTGTATTTTTTCTGGGATTTTTTGA-3'

ClinVar aggregate classification (germline): Likely pathogenic. Review status: criteria provided, single submitter (1 of 4 stars). 3 submissions from 3 submitters: Likely pathogenic (1). 2 of the submissions do not count toward it. Last evaluated 2024-06-06.

Conditions:
Cohen syndrome (COH1). Also called: Cutis verticis gyrata, retinitis pigmentosa, and sensorineural deafness; PEPPER SYNDROME. Identifiers: Orphanet 193, MedGen C0265223, MONDO:0008999, OMIM 216550.
VPS13B-related disorder. Also called: VPS13B-related condition.

Allele frequency attached by ClinVar (database versions not stated): TOPMed 0.00002.
gnomAD v4.1: 1 of 1,607,788 alleles (0.000062%); highest among the groups gnomAD compares: African/African-American, 0.0013%; no homozygotes.

Submissions (3):

Labcorp Genetics (formerly Invitae), Labcorp
Classification: Likely pathogenic for Cohen syndrome. Last evaluated: 2024-06-06. Review status: criteria provided, single submitter. Criteria: Invitae Variant Classification Sherloc (09022015). Collection method: clinical testing. Allele origin: germline.
Comment: This sequence change affects a donor splice site in intron 53 of the VPS13B gene. It is expected to disrupt RNA splicing. Variants that disrupt the donor or acceptor splice site typically lead to a loss of protein function (PMID: 16199547), and loss-of-function variants in VPS13B are known to be pathogenic (PMID: 15141358, 16648375, 20461111). This variant is not present in population databases (gnomAD no frequency). This variant has not been reported in the literature in individuals affected with VPS13B-related conditions. ClinVar contains an entry for this variant (Variation ID: 834868). Algorithms developed to predict the effect of sequence changes on RNA splicing suggest that this variant may disrupt the consensus splice site. In summary, the currently available evidence indicates that the variant is pathogenic, but additional data are needed to prove that conclusively. Therefore, this variant has been classified as Likely Pathogenic.

PreventionGenetics, part of Exact Sciences
Classification: Likely pathogenic for VPS13B-related condition. Last evaluated: 2024-01-01. Review status: no assertion criteria provided. Collection method: clinical testing. Allele origin: germline. Not counted in ClinVar's aggregate classification.
Comment: The VPS13B c.9742+2T>C variant is predicted to disrupt the GT donor site and interfere with normal splicing. To our knowledge, this variant has not been reported in the literature or in a large population database, indicating this variant is rare. Variants that disrupt the consensus splice donor site in VPS13B are expected to be pathogenic. This variant is interpreted as likely pathogenic.

Natera, Inc.
Classification: Likely pathogenic for Cohen syndrome. Last evaluated: 2021-05-06. Review status: no assertion criteria provided. Collection method: clinical testing. Allele origin: germline. Not counted in ClinVar's aggregate classification.

Literature cited by the submitters: PubMed 16199547 (cited by Labcorp Genetics (formerly Invitae), Labcorp); PubMed 15141358 (cited by Labcorp Genetics (formerly Invitae), Labcorp); PubMed 16648375 (cited by Labcorp Genetics (formerly Invitae), Labcorp); PubMed 20461111 (cited by Labcorp Genetics (formerly Invitae), Labcorp).